The following is an entry in ClinVar:

ClinVar aggregate classification (germline): Conflicting classifications of pathogenicity. Review status: criteria provided, conflicting classifications (1 of 4 stars). 2 submissions from 2 submitters: Pathogenic (1); Uncertain significance (1). Last evaluated 2023-04-07.

Allele frequency attached by ClinVar (database versions not stated): gnomAD exomes below 0.00001 and 0.00001; gnomAD 0.00001.
gnomAD v4.1: 12 of 1,613,648 alleles (0.00074%); highest among the groups gnomAD compares: South Asian, 0.0022%; no homozygotes.

Submissions (2):

Labcorp Genetics (formerly Invitae), Labcorp
Classification: Pathogenic. Last evaluated: 2023-04-07. Review status: criteria provided, single submitter. Criteria: Invitae Variant Classification Sherloc (09022015). Collection method: clinical testing. Allele origin: germline.
Comment: For these reasons, this variant has been classified as Pathogenic. Studies have shown that this variant is associated with altered splicing resulting in multiple RNA products (PMID: 23528209). ClinVar contains an entry for this variant (Variation ID: 1188072). This variant has been observed in individual(s) with congenital ichthyosis (PMID: 23528209). It has also been observed to segregate with disease in related individuals. This variant is present in population databases (no rsID available, gnomAD 0.0009%). This sequence change affects codon 1152 of the ABCA12 mRNA. It is a 'silent' change, meaning that it does not change the encoded amino acid sequence of the ABCA12 protein.

GeneDx
Classification: Uncertain significance. Last evaluated: 2020-06-05. Review status: criteria provided, single submitter. Criteria: GeneDx Variant Classification Process June 2021. Collection method: clinical testing. Allele origin: germline. Affected: yes.
Comment: Not observed at a significant frequency in large population cohorts (Lek et al., 2016); In silico analysis supports a deleterious effect on splicing; This variant is associated with the following publications: (PMID: 23528209, 28236338, 30916489)

Literature cited by the submitters: PubMed 23528209 (cited by Labcorp Genetics (formerly Invitae), Labcorp).

NM_173076.3(ABCA12):c.3456G>A (p.Ser1152=)

Gene: ABCA12 (ATP binding cassette subfamily A member 12; minus strand). Cytogenetic location: 2q35.
Variant type: single nucleotide variant.
Coding change: c.3456G>A on transcript NM_173076.3 (MANE Select); coding-DNA position 3456, G replaced by A.
Protein change: p.Ser1152=; no amino-acid change (serine 1152 retained).
Molecular consequence: synonymous variant. On other transcripts: non-coding transcript variant (1).
Genome position (GRCh38, 1-based): chr2:214,990,870, C>T on the plus strand (G>A on the coding strand, the complement: ABCA12 is on the minus strand). VCF-style: chr2-214990870-C-T. GRCh37 (hg19) VCF-style: chr2-215855594-C-T.
Other names: c.2502G>A, p.Ser834= (NM_015657.4).
Identifiers: ClinVar variation 1188072 (VCV001188072.5), dbSNP rs1249431423, ClinGen allele CA431388141.